The following is an entry in ClinVar:

NM_002225.5(IVD):c.234+16C>T

Gene: IVD (isovaleryl-CoA dehydrogenase; plus strand). Cytogenetic location: 15q15.1.
Variant type: single nucleotide variant.
Coding change: c.234+16C>T on transcript NM_002225.5 (MANE Select); 16 bases into the intron after coding-DNA position 234, C replaced by T.
Molecular consequence: intron variant. On other transcripts: missense variant (2).
Genome position (GRCh38, 1-based): chr15:40,407,741, C>T. VCF-style: chr15-40407741-C-T. GRCh37 (hg19) VCF-style: chr15-40699942-C-T.
Other names: c.250C>T, p.Arg84Trp (NM_001354599.3, NM_001354600.3); c.234+16C>T (NM_001354598.3, NM_001354601.3); c.186+16C>T (NM_001354597.3); c.145-198C>T (NM_001159508.3); c.250C>T (NM_001354600.2); short protein forms R84W.
Identifiers: ClinVar variation 386915 (VCV000386915.8), dbSNP rs750473075, ClinGen allele CA7480542.

ClinVar aggregate classification (germline): Conflicting classifications of pathogenicity. Review status: criteria provided, conflicting classifications (1 of 4 stars). 4 submissions from 4 submitters: Uncertain significance (1); Likely benign (2). 1 of the submissions does not count toward it. Last evaluated 2026-01-13.

Conditions:
IVD-related disorder. Also called: IVD-related condition.
Isovaleryl-CoA dehydrogenase deficiency (IVA). Also called: Classic Isovaleric Acidemia; ISOVALERIC ACID CoA DEHYDROGENASE DEFICIENCY; IVD DEFICIENCY; Isovaleric acidemia. Identifiers: Orphanet 33, MedGen C0268575, MONDO:0009475, OMIM 243500.

Allele frequency attached by ClinVar (database versions not stated): TOPMed 0.00019; gnomAD 0.00022 and 0.00025; gnomAD exomes 0.00027; ExAC 0.00029.
gnomAD v4.1: 565 of 1,607,494 alleles (0.035%); highest among the groups gnomAD compares: Middle Eastern, 0.051%; no homozygotes.

Submissions (4):

Labcorp Genetics (formerly Invitae), Labcorp
Classification: Likely benign for Isovaleryl-CoA dehydrogenase deficiency. Last evaluated: 2026-01-13. Review status: criteria provided, single submitter. Criteria: Invitae Variant Classification Sherloc (09022015). Collection method: clinical testing. Allele origin: germline.

Department of Pathology and Laboratory Medicine, Sinai Health System
Classification: Uncertain significance for Isovaleryl-CoA dehydrogenase deficiency. Last evaluated: 2021-07-30. Review status: criteria provided, single submitter. Criteria: ACMG Guidelines, 2015. Collection method: research. Allele origin: germline.

GeneDx
Classification: Likely benign. Last evaluated: 2018-01-11. Review status: criteria provided, single submitter. Criteria: GeneDx Variant Classification (06012015). Collection method: clinical testing. Allele origin: germline. Affected: yes.
Comment: This variant is considered likely benign or benign based on one or more of the following criteria: it is a conservative change, it occurs at a poorly conserved position in the protein, it is predicted to be benign by multiple in silico algorithms, and/or has population frequency not consistent with disease.

PreventionGenetics, part of Exact Sciences
Classification: Benign for IVD-related condition. Last evaluated: 2019-05-02. Review status: no assertion criteria provided. Collection method: clinical testing. Allele origin: germline. Not counted in ClinVar's aggregate classification.
Comment: This variant is classified as benign based on ACMG/AMP sequence variant interpretation guidelines (Richards et al. 2015 PMID: 25741868, with internal and published modifications).